The following is an entry in ClinVar:

NM_002907.4(RECQL):c.1240T>C (p.Cys414Arg)

Gene: RECQL (RecQ like helicase; minus strand). Cytogenetic location: 12p12.1.
Variant type: single nucleotide variant.
Coding change: c.1240T>C on transcript NM_002907.4 (MANE Select); coding-DNA position 1240, T replaced by C.
Protein change: p.Cys414Arg; replaces cysteine 414 with arginine.
Molecular consequence: missense variant.
Genome position (GRCh38, 1-based): chr12:21,474,956, A>G on the plus strand (T>C on the coding strand, the complement: RECQL is on the minus strand). VCF-style: chr12-21474956-A-G. GRCh37 (hg19) VCF-style: chr12-21627890-A-G.
Other names: c.1240T>C, p.Cys414Arg (NM_032941.3); short protein forms C414R.
Identifiers: ClinVar variation 1015780 (VCV001015780.12), dbSNP rs1351176542, ClinGen allele CA384118890.

ClinVar aggregate classification (germline): Uncertain significance. Review status: criteria provided, multiple submitters, no conflicts (2 of 4 stars). 2 submissions from 2 submitters: Uncertain significance (2). Last evaluated 2024-12-12.

Allele frequency attached by ClinVar (database versions not stated): TOPMed 0.00001; gnomAD exomes 0.00002.
gnomAD v4.1: 13 of 1,612,920 alleles (0.00081%); highest among the groups gnomAD compares: East Asian, 0.027%; no homozygotes.

Submissions (2):

Labcorp Genetics (formerly Invitae), Labcorp
Classification: Uncertain significance. Last evaluated: 2024-12-12. Review status: criteria provided, single submitter. Criteria: Invitae Variant Classification Sherloc (09022015). Collection method: clinical testing. Allele origin: germline.
Comment: This sequence change replaces cysteine, which is neutral and slightly polar, with arginine, which is basic and polar, at codon 414 of the RECQL protein (p.Cys414Arg). This variant is not present in population databases (gnomAD no frequency). This variant has not been reported in the literature in individuals affected with RECQL-related conditions. ClinVar contains an entry for this variant (Variation ID: 1015780). Invitae Evidence Modeling of protein sequence and biophysical properties (such as structural, functional, and spatial information, amino acid conservation, physicochemical variation, residue mobility, and thermodynamic stability) indicates that this missense variant is expected to disrupt RECQL protein function with a positive predictive value of 80%. In summary, the available evidence is currently insufficient to determine the role of this variant in disease. Therefore, it has been classified as a Variant of Uncertain Significance.

Ambry Genetics
Classification: Uncertain significance. Last evaluated: 2024-04-26. Review status: criteria provided, single submitter. Criteria: Ambry Variant Classification Scheme 2023. Collection method: clinical testing. Allele origin: germline.
Comment: The p.C414R variant (also known as c.1240T>C), located in coding exon 10 of the RECQL gene, results from a T to C substitution at nucleotide position 1240. The cysteine at codon 414 is replaced by arginine, an amino acid with highly dissimilar properties. This amino acid position is highly conserved in available vertebrate species. In addition, this alteration is predicted to be deleterious by in silico analysis. Since supporting evidence is limited at this time, the clinical significance of this alteration remains unclear.